The following is an entry in ClinVar:

NM_000392.5(ABCC2):c.4314C>T (p.Ser1438=)

Gene: ABCC2 (ATP binding cassette subfamily C member 2; plus strand). Cytogenetic location: 10q24.2.
Variant type: single nucleotide variant.
Coding change: c.4314C>T on transcript NM_000392.5 (MANE Select); coding-DNA position 4314, C replaced by T.
Protein change: p.Ser1438=; no amino-acid change (serine 1438 retained).
Molecular consequence: synonymous variant.
Genome position (GRCh38, 1-based): chr10:99,850,602, C>T. VCF-style: chr10-99850602-C-T. GRCh37 (hg19) VCF-style: chr10-101610359-C-T.
Other names: p.Ser1438=; c.4314C>T, p.Ser1438= (LRG_1208t1).
Identifiers: ClinVar variation 196659 (VCV000196659.7), dbSNP rs376790802, ClinGen allele CA243701.

ClinVar aggregate classification (germline): Uncertain significance. Review status: criteria provided, multiple submitters, no conflicts (2 of 4 stars). 3 submissions from 3 submitters: Uncertain significance (3). Last evaluated 2026-01-16.

Allele frequency attached by ClinVar (database versions not stated): ExAC 0.00001; gnomAD exomes 0.00001; gnomAD 0.00003 and 0.00004; TOPMed 0.00004; ESP Exome Variant Server 0.00008.
gnomAD v4.1: 13 of 1,614,042 alleles (0.00081%); highest among the groups gnomAD compares: African/African-American, 0.016%; no homozygotes.

Submissions (3):

Labcorp Genetics (formerly Invitae), Labcorp
Classification: Uncertain significance. Last evaluated: 2026-01-16. Review status: criteria provided, single submitter. Criteria: Invitae Variant Classification Sherloc (09022015). Collection method: clinical testing. Allele origin: germline.
Comment: This sequence change affects codon 1438 of the ABCC2 mRNA. It is a 'silent' change, meaning that it does not change the encoded amino acid sequence of the ABCC2 protein. It affects a nucleotide within the consensus splice site. This variant is present in population databases (rs376790802, gnomAD 0.01%). This variant has not been reported in the literature in individuals affected with ABCC2-related conditions. ClinVar contains an entry for this variant (Variation ID: 196659). Algorithms developed to predict the effect of sequence changes on RNA splicing suggest that this variant is not likely to affect RNA splicing. In summary, the available evidence is currently insufficient to determine the role of this variant in disease. Therefore, it has been classified as a Variant of Uncertain Significance.

Mayo Clinic Laboratories, Mayo Clinic
Classification: Uncertain significance. Last evaluated: 2023-06-08. Review status: criteria provided, single submitter. Criteria: ACMG Guidelines, 2015. Collection method: clinical testing. Allele origin: germline. Observed: 1 variant allele.

Eurofins Ntd Llc (ga)
Classification: Uncertain significance. Last evaluated: 2017-12-07. Review status: criteria provided, single submitter. Criteria: EGL Classification Definitions 2015. Collection method: clinical testing. Allele origin: germline. Observed: 2 variant alleles, 2 heterozygotes.